The following is an entry in ClinVar:

NM_000551.4(VHL):c.340+766G>A

Genes: VHL (von Hippel-Lindau tumor suppressor; plus strand), LOC107303340 (3p25 von Hippel-Lindau tumor suppressor, E3 ubiquitin protein ligase Alu-mediated recombination region; plus strand). Cytogenetic location: 3p25.3.
Variant type: single nucleotide variant.
Coding change: c.340+766G>A on transcript NM_000551.4 (MANE Select); 766 bases into the intron after coding-DNA position 340, G replaced by A.
Molecular consequence: intron variant. On other transcripts: synonymous variant (1), non-coding transcript variant (1).
Genome position (GRCh38, 1-based): chr3:10,142,953, G>A. VCF-style: chr3-10142953-G-A. GRCh37 (hg19) VCF-style: chr3-10184637-G-A.
Other names: c.340+766G>A (NM_198156.3); c.531G>A, p.Val177= (NM_001354723.2).
Identifiers: ClinVar variation 1961695 (VCV001961695.5), dbSNP rs1696163440, ClinGen allele CA1044995546.
Genomic context (GRCh38, chr3:10,142,953, plus strand): 5'-TGTGTGGCGTGGGAAATTGACTTACCTGCCTGCTGGGAGATGGAGGGGTTGCGGTTGTGT[G>A]GTTTCAGTTAAGGAGCACTTCCCGGAGAAGGAAGAGAGCAGGATGGAGTAGGAACTAGCC-3'

ClinVar aggregate classification (germline): Uncertain significance (1 of 4 stars; one submission).

Conditions:
Chuvash polycythemia. Also called: POLYCYTHEMIA, VHL-DEPENDENT. Identifiers: Orphanet 238557, MedGen C1837915, MONDO:0009892, OMIM 263400.
Von Hippel-Lindau syndrome (VHLS). Also called: Von Hippel-Lindau; von Hippel–Lindau syndrome; VHL syndrome. Identifiers: Orphanet 892, MedGen C0019562, MONDO:0008667, OMIM 193300. Disease mechanism: loss of function.

Allele frequency attached by ClinVar (database versions not stated): gnomAD 0.00001.
gnomAD v4.1: 1 of 152,508 alleles (0.00066%); highest among the groups gnomAD compares: African/African-American, 0.0024%; no homozygotes.

Submission:

Labcorp Genetics (formerly Invitae), Labcorp
Classification: Uncertain significance for Von Hippel-Lindau syndrome; Chuvash polycythemia. Last evaluated: 2022-08-16. Review status: criteria provided, single submitter. Criteria: Invitae Variant Classification Sherloc (09022015). Collection method: clinical testing. Allele origin: germline.
Comment: In summary, the available evidence is currently insufficient to determine the role of this variant in disease. Therefore, it has been classified as a Variant of Uncertain Significance. Algorithms developed to predict the effect of sequence changes on RNA splicing suggest that this variant is not likely to affect RNA splicing. This variant has not been reported in the literature in individuals affected with VHL-related conditions. This variant is not present in population databases (gnomAD no frequency). This sequence change falls in intron 1 of the VHL gene. It is not expected to change the encoded amino acid sequence of the VHL protein. However, this sequence change falls within a cryptic exon in the VHL gene, known as exon E1’, which is naturally expressed at low levels in several human tissues (PMID: 29891534).

Literature cited by the submitters: PubMed 29891534.